The following is an entry in ClinVar:

NM_005422.4(TECTA):c.5131C>T (p.Leu1711Phe)

Genes: TBCEL-TECTA (TBCEL-TECTA readthrough; plus strand), TECTA (tectorin alpha; plus strand). Cytogenetic location: 11q23.3.
Variant type: single nucleotide variant.
Coding change: c.5131C>T on transcript NM_005422.4 (MANE Select); coding-DNA position 5131, C replaced by T.
Protein change: p.Leu1711Phe; replaces leucine 1711 with phenylalanine.
Molecular consequence: missense variant.
Genome position (GRCh38, 1-based): chr11:121,162,229, C>T. VCF-style: chr11-121162229-C-T. GRCh37 (hg19) VCF-style: chr11-121032938-C-T.
Other names: c.6073C>T, p.Leu2025Phe (NM_001378761.1); short protein forms L1711F, L2025F.
Identifiers: ClinVar variation 2405806 (VCV002405806.9), dbSNP rs202144744, ClinGen allele CA6327657.

ClinVar aggregate classification (germline): Conflicting classifications of pathogenicity. Review status: criteria provided, conflicting classifications (1 of 4 stars). 6 submissions from 6 submitters: Uncertain significance (5); Likely benign (1). Last evaluated 2026-03-31.

Conditions:
TECTA-related disorder. Also called: TECTA-related condition.
Inborn genetic diseases. Identifiers: MedGen C0950123, MeSH D030342.

Allele frequency attached by ClinVar (database versions not stated): gnomAD 0.00010; TOPMed 0.00011; 1000 Genomes Project 30x 0.00016; 1000 Genomes Project 0.00020; gnomAD exomes 0.00022; ExAC 0.00036.

Submissions (6):

GeneDx
Classification: Uncertain significance. Last evaluated: 2026-03-31. Review status: criteria provided, single submitter. Criteria: GeneDx Variant Classification Process June 2021. Collection method: clinical testing. Allele origin: germline.
Comment: In silico analysis suggests that this missense variant does not alter protein structure/function; Has not been previously published as pathogenic or benign to our knowledge

Women's Health and Genetics/Laboratory Corporation of America, LabCorp
Classification: Uncertain significance. Last evaluated: 2025-12-30. Review status: criteria provided, single submitter. Criteria: LabCorp Variant Classification Summary - May 2015. Collection method: clinical testing. Allele origin: germline.
Comment: Variant summary: TECTA c.5131C>T (p.Leu1711Phe) results in a non-conservative amino acid change in the encoded protein sequence. Algorithms developed to predict the effect of missense changes on protein structure and function are either unavailable or do not agree on the potential impact of this missense change. The variant allele was found at a frequency of 0.00024 in 251466 control chromosomes. This frequency is not significantly higher than estimated for disease-causing variants in TECTA, allowing no conclusion about variant significance. To our knowledge, no occurrence of c.5131C>T in individuals affected with TECTA-related conditions and no experimental evidence demonstrating its impact on protein function have been reported. ClinVar contains an entry for this variant (Variation ID: 2405806). Based on the evidence outlined above, the variant was classified as uncertain significance.

PreventionGenetics, part of Exact Sciences
Classification: Uncertain significance for TECTA-related condition. Last evaluated: 2025-06-11. Review status: criteria provided, single submitter. Criteria: ACMG Guidelines, 2015. Collection method: clinical testing. Allele origin: germline.
Comment: The TECTA c.5131C>T variant is predicted to result in the amino acid substitution p.Leu1711Phe. To our knowledge, this variant has not been reported in the literature. This variant is reported in 0.043% of alleles in individuals of European (Non-Finnish) descent in gnomAD. At this time, the clinical significance of this variant is uncertain due to the absence of conclusive functional and genetic evidence.

Blueprint Genetics
Classification: Uncertain significance. Last evaluated: 2024-10-30. Review status: criteria provided, single submitter. Criteria: ACMG Guidelines, 2015. Collection method: clinical testing. Allele origin: germline.

Labcorp Genetics (formerly Invitae), Labcorp
Classification: Likely benign. Last evaluated: 2023-06-06. Review status: criteria provided, single submitter. Criteria: Invitae Variant Classification Sherloc (09022015). Collection method: clinical testing. Allele origin: germline.

Ambry Genetics
Classification: Uncertain significance for Inborn genetic diseases. Last evaluated: 2022-05-04. Review status: criteria provided, single submitter. Criteria: Ambry Variant Classification Scheme 2023. Collection method: clinical testing. Allele origin: germline.